The following is an entry in ClinVar:

ClinVar aggregate classification (germline): Likely pathogenic (1 of 4 stars; one submission).

Conditions:
Nemaline myopathy 2 (NEM2). Also called: Nemaline myopathy 2, autosomal recessive. Identifiers: MedGen C1850569, MONDO:0009725, OMIM 256030.

Submission:

Natera, Inc.
Classification: Likely pathogenic for Nemaline myopathy type 2. Last evaluated: 2024-04-18. Review status: criteria provided, single submitter. Criteria: Natera Variant Classification Schema (03/2026). Collection method: clinical testing. Allele origin: germline.
Comment: The c.12704_12708delTTGAA variant in NEB is a frameshift variant predicted to shift the reading frame beginning at codon 4235 and leads to a stop codon 13 codons downstream. This variant is expected to result in nonsense mediated decay, truncation, or a dysfunctional protein product. This variant is rare in the general population with a frequency below the threshold expected for the associated phenotype(s). Given the available evidence, this variant is classified as Likely Pathogenic.

NM_001164508.2(NEB):c.12704_12708del (p.Ile4235fs)

Gene: NEB (nebulin; minus strand). Cytogenetic location: 2q23.3.
Variant type: Deletion.
Coding change: c.12704_12708del on transcript NM_001164508.2 (MANE Select); coding-DNA positions 12704 to 12708, 5 bases deleted (TTGAA; older notation c.12704_12708delTTGAA).
Protein change: p.Ile4235fs; shifts the reading frame from isoleucine 4235.
Molecular consequence: frameshift variant. On other transcripts: intron variant (1).
Genome position (GRCh38, 1-based): chr2:151,606,645-151,606,649, TTCAA deleted on the plus strand (TTGAA on the coding strand, the reverse complement: NEB is on the minus strand); deleting any 5 consecutive bases within chr2:151,606,645-151,606,650 gives the same sequence; the c. name uses the placement nearest the transcript's 3' end. VCF-style (leftmost placement, unchanged base first): chr2-151606644-TTTCAA-T. GRCh37 (hg19) VCF-style: chr2-152463158-TTTCAA-T.
Other names: c.12704_12708delTTGAA (NM_001271208.1); c.12704_12708del, p.Ile4235fs (NM_001164507.2, NM_001271208.2); c.11601+3160_11601+3164del (NM_004543.5); short protein forms I4235fs.
Identifiers: ClinVar variation 4814715 (VCV004814715.1).